The following is an entry in ClinVar:

NM_001903.5(CTNNA1):c.1723G>A (p.Ala575Thr)

Gene: CTNNA1 (catenin alpha 1; plus strand). Cytogenetic location: 5q31.2.
Variant type: single nucleotide variant.
Coding change: c.1723G>A on transcript NM_001903.5 (MANE Select); coding-DNA position 1723, G replaced by A.
Protein change: p.Ala575Thr; replaces alanine 575 with threonine.
Molecular consequence: missense variant.
Genome position (GRCh38, 1-based): chr5:138,924,686, G>A. VCF-style: chr5-138924686-G-A. GRCh37 (hg19) VCF-style: chr5-138260375-G-A.
Other names: c.1723G>A, p.Ala575Thr (NM_001290307.3, NM_001323982.2, NM_001323983.1 and 2 more transcripts); c.1414G>A, p.Ala472Thr (NM_001290309.3); c.1354G>A, p.Ala452Thr (NM_001290310.3); c.613G>A, p.Ala205Thr (NM_001290312.1, NM_001323987.1, NM_001323988.1 and 17 more transcripts); c.1630G>A, p.Ala544Thr (NM_001323986.2); c.274G>A, p.Ala92Thr (NM_001324006.1, NM_001324007.1, NM_001324008.1 and 2 more transcripts); c.520G>A, p.Ala174Thr (NM_001324011.1); c.370G>A, p.Ala124Thr (NM_001324012.1, NM_001324013.1); short protein forms A544T, A205T, A472T, A174T, A92T, A124T, A452T, A575T.
Identifiers: ClinVar variation 2448339 (VCV002448339.4), dbSNP rs2150289803, ClinGen allele CA361132054.

ClinVar aggregate classification (germline): Uncertain significance. Review status: criteria provided, multiple submitters, no conflicts (2 of 4 stars). 2 submissions from 2 submitters: Uncertain significance (2). Last evaluated 2024-02-08.

Conditions:
Hereditary cancer-predisposing syndrome. Also called: Neoplastic Syndromes, Hereditary; Hereditary Cancer Syndrome; Tumor predisposition; Hereditary neoplastic syndrome. Identifiers: Orphanet 140162, MedGen C0027672, MeSH D009386, MONDO:0015356.

Submissions (2):

Labcorp Genetics (formerly Invitae), Labcorp
Classification: Uncertain significance. Last evaluated: 2024-02-08. Review status: criteria provided, single submitter. Criteria: Invitae Variant Classification Sherloc (09022015). Collection method: clinical testing. Allele origin: germline.
Comment: This sequence change replaces alanine, which is neutral and non-polar, with threonine, which is neutral and polar, at codon 575 of the CTNNA1 protein (p.Ala575Thr). This variant is not present in population databases (gnomAD no frequency). This variant has not been reported in the literature in individuals affected with CTNNA1-related conditions. ClinVar contains an entry for this variant (Variation ID: 2448339). Advanced modeling of protein sequence and biophysical properties (such as structural, functional, and spatial information, amino acid conservation, physicochemical variation, residue mobility, and thermodynamic stability) performed at Invitae indicates that this missense variant is not expected to disrupt CTNNA1 protein function with a negative predictive value of 80%. In summary, the available evidence is currently insufficient to determine the role of this variant in disease. Therefore, it has been classified as a Variant of Uncertain Significance.

Ambry Genetics
Classification: Uncertain significance for Hereditary cancer-predisposing syndrome. Last evaluated: 2023-01-05. Review status: criteria provided, single submitter. Criteria: Ambry Variant Classification Scheme 2023. Collection method: clinical testing. Allele origin: germline.
Comment: The p.A575T variant (also known as c.1723G>A), located in coding exon 11 of the CTNNA1 gene, results from a G to A substitution at nucleotide position 1723. The alanine at codon 575 is replaced by threonine, an amino acid with similar properties. This amino acid position is conserved. In addition, the in silico prediction for this alteration is inconclusive. Since supporting evidence is limited at this time, the clinical significance of this alteration remains unclear.